The following is an entry in ClinVar:

ClinVar aggregate classification (germline): Uncertain significance (1 of 4 stars; one submission).

Allele frequency attached by ClinVar (database versions not stated): TOPMed below 0.00001.

Submission:

Labcorp Genetics (formerly Invitae), Labcorp
Classification: Uncertain significance. Last evaluated: 2023-12-03. Review status: criteria provided, single submitter. Criteria: Invitae Variant Classification Sherloc (09022015). Collection method: clinical testing. Allele origin: germline.
Comment: This sequence change replaces glycine, which is neutral and non-polar, with glutamic acid, which is acidic and polar, at codon 403 of the GUF1 protein (p.Gly403Glu). This variant is not present in population databases (gnomAD no frequency). This variant has not been reported in the literature in individuals affected with GUF1-related conditions. Advanced modeling of protein sequence and biophysical properties (such as structural, functional, and spatial information, amino acid conservation, physicochemical variation, residue mobility, and thermodynamic stability) performed at Invitae indicates that this missense variant is expected to disrupt GUF1 protein function with a positive predictive value of 80%. In summary, the available evidence is currently insufficient to determine the role of this variant in disease. Therefore, it has been classified as a Variant of Uncertain Significance.

NM_021927.3(GUF1):c.1208G>A (p.Gly403Glu)

Gene: GUF1 (GTP binding elongation factor GUF1; plus strand). Cytogenetic location: 4p12.
Variant type: single nucleotide variant.
Coding change: c.1208G>A on transcript NM_021927.3 (MANE Select); coding-DNA position 1208, G replaced by A.
Protein change: p.Gly403Glu; replaces glycine 403 with glutamic acid.
Molecular consequence: missense variant.
Genome position (GRCh38, 1-based): chr4:44,689,848, G>A. VCF-style: chr4-44689848-G-A. GRCh37 (hg19) VCF-style: chr4-44691865-G-A.
Other names: c.236G>A, p.Gly79Glu (NM_001345867.2, NM_001345869.2); c.1208G>A, p.Gly403Glu (NM_001345868.2); short protein forms G403E, G79E.
Identifiers: ClinVar variation 2700663 (VCV002700663.3), dbSNP rs755864442, ClinGen allele CA356763277.